The following is an entry in ClinVar:

NM_000426.4(LAMA2):c.1253C>T (p.Pro418Leu)

Gene: LAMA2 (laminin subunit alpha 2; plus strand). Cytogenetic location: 6q22.33.
Variant type: single nucleotide variant.
Coding change: c.1253C>T on transcript NM_000426.4 (MANE Select); coding-DNA position 1253, C replaced by T.
Protein change: p.Pro418Leu; replaces proline 418 with leucine.
Molecular consequence: missense variant.
Genome position (GRCh38, 1-based): chr6:129,165,622, C>T. VCF-style: chr6-129165622-C-T. GRCh37 (hg19) VCF-style: chr6-129486767-C-T.
Other names: c.1253C>T, p.Pro418Leu (NM_001079823.2); short protein forms P418L.
Identifiers: ClinVar variation 853966 (VCV000853966.10), dbSNP rs774551836, ClinGen allele CA3992566.

ClinVar aggregate classification (germline): Uncertain significance (1 of 4 stars; one submission).

Conditions:
LAMA2-related muscular dystrophy (LAMA2-RD). Also called: Laminin alpha 2-related dystrophy. Identifiers: MedGen C5679788, MONDO:0100228.

Allele frequency attached by ClinVar (database versions not stated): gnomAD exomes below 0.00001; ExAC 0.00001.

Submission:

Labcorp Genetics (formerly Invitae), Labcorp
Classification: Uncertain significance for LAMA2-related muscular dystrophy. Last evaluated: 2019-06-19. Review status: criteria provided, single submitter. Criteria: Invitae Variant Classification Sherloc (09022015). Collection method: clinical testing. Allele origin: germline.
Comment: This sequence change replaces proline with leucine at codon 418 of the LAMA2 protein (p.Pro418Leu). The proline residue is moderately conserved and there is a moderate physicochemical difference between proline and leucine. This variant is present in population databases (rs774551836, ExAC 0.002%). This variant has not been reported in the literature in individuals with LAMA2-related conditions. Algorithms developed to predict the effect of missense changes on protein structure and function are either unavailable or do not agree on the potential impact of this missense change (SIFT: "Deleterious"; PolyPhen-2: "Benign"; Align-GVGD: "Class C0"). In summary, the available evidence is currently insufficient to determine the role of this variant in disease. Therefore, it has been classified as a Variant of Uncertain Significance.